The following is an entry in ClinVar:

NM_001903.5(CTNNA1):c.652G>C (p.Val218Leu)

Gene: CTNNA1 (catenin alpha 1; plus strand). Cytogenetic location: 5q31.2.
Variant type: single nucleotide variant.
Coding change: c.652G>C on transcript NM_001903.5 (MANE Select); coding-DNA position 652, G replaced by C.
Protein change: p.Val218Leu; replaces valine 218 with leucine.
Molecular consequence: missense variant.
Genome position (GRCh38, 1-based): chr5:138,824,593, G>C. VCF-style: chr5-138824593-G-C. GRCh37 (hg19) VCF-style: chr5-138160282-G-C.
Other names: c.652G>C, p.Val218Leu (NM_001290307.3, NM_001323982.2, NM_001323983.1 and 3 more transcripts); c.343G>C, p.Val115Leu (NM_001290309.3); c.283G>C, p.Val95Leu (NM_001290310.3); short protein forms V115L, V218L, V95L.
Identifiers: ClinVar variation 651968 (VCV000651968.13), dbSNP rs752549253, ClinGen allele CA361129596.

ClinVar aggregate classification (germline): Uncertain significance. Review status: criteria provided, multiple submitters, no conflicts (2 of 4 stars). 2 submissions from 2 submitters: Uncertain significance (2). Last evaluated 2022-01-06.

Conditions:
Hereditary cancer-predisposing syndrome. Also called: Neoplastic Syndromes, Hereditary; Tumor predisposition; Hereditary Cancer Syndrome; Hereditary neoplastic syndrome. Identifiers: Orphanet 140162, MedGen C0027672, MeSH D009386, MONDO:0015356.

gnomAD v4.1: 5 of 1,614,216 alleles (0.00031%); highest among the groups gnomAD compares: South Asian, 0.0055%; no homozygotes.

Submissions (2):

Labcorp Genetics (formerly Invitae), Labcorp
Classification: Uncertain significance. Last evaluated: 2022-01-06. Review status: criteria provided, single submitter. Criteria: Invitae Variant Classification Sherloc (09022015). Collection method: clinical testing. Allele origin: germline.
Comment: ClinVar contains an entry for this variant (Variation ID: 651968). This variant has not been reported in the literature in individuals affected with CTNNA1-related conditions. This variant is not present in population databases (gnomAD no frequency). This sequence change replaces valine, which is neutral and non-polar, with leucine, which is neutral and non-polar, at codon 218 of the CTNNA1 protein (p.Val218Leu). Algorithms developed to predict the effect of missense changes on protein structure and function (SIFT, PolyPhen-2, Align-GVGD) all suggest that this variant is likely to be tolerated. In summary, the available evidence is currently insufficient to determine the role of this variant in disease. Therefore, it has been classified as a Variant of Uncertain Significance.

Ambry Genetics
Classification: Uncertain significance for Hereditary cancer-predisposing syndrome. Last evaluated: 2019-07-12. Review status: criteria provided, single submitter. Criteria: Ambry Variant Classification Scheme 2023. Collection method: clinical testing. Allele origin: germline.
Comment: The p.V218L variant (also known as c.652G>C), located in coding exon 5 of the CTNNA1 gene, results from a G to C substitution at nucleotide position 652. The valine at codon 218 is replaced by leucine, an amino acid with highly similar properties. This amino acid position is poorly conserved in available vertebrate species. In addition, this alteration is predicted to be tolerated by in silico analysis. Since supporting evidence is limited at this time, the clinical significance of this alteration remains unclear.